The following is an entry in ClinVar:

ClinVar aggregate classification (germline): Uncertain significance (0 of 4 stars; one submission).

Conditions:
KSR2-related disorder. Also called: KSR2-related condition.

Submission:

PreventionGenetics, part of Exact Sciences
Classification: Uncertain significance for KSR2-related condition. Last evaluated: 2024-04-18. Review status: no assertion criteria provided. Collection method: clinical testing. Allele origin: germline.
Comment: The KSR2 c.368G>C variant is predicted to result in the amino acid substitution p.Arg123Thr. To our knowledge, this variant has not been reported in the literature or in gnomAD, indicating this variant is rare. At this time, the clinical significance of this variant is uncertain due to the absence of conclusive functional and genetic evidence.

NM_173598.6(KSR2):c.455G>C (p.Arg152Thr)

Gene: KSR2 (kinase suppressor of ras 2; minus strand). Cytogenetic location: 12q24.23.
Variant type: single nucleotide variant.
Coding change: c.455G>C on transcript NM_173598.6 (MANE Select); coding-DNA position 455, G replaced by C.
Protein change: p.Arg152Thr; replaces arginine 152 with threonine.
Molecular consequence: missense variant.
Genome position (GRCh38, 1-based): chr12:117,855,445, C>G on the plus strand (G>C on the coding strand, the complement: KSR2 is on the minus strand). VCF-style: chr12-117855445-C-G. GRCh37 (hg19) VCF-style: chr12-118293250-C-G.
Other names: short protein forms R152T.
Identifiers: ClinVar variation 3347876 (VCV003347876.1).